The following is an entry in ClinVar:

NM_001958.5(EEF1A2):c.1064C>T (p.Ala355Val)

Gene: EEF1A2 (eukaryotic translation elongation factor 1 alpha 2; minus strand). Cytogenetic location: 20q13.33.
Variant type: single nucleotide variant.
Coding change: c.1064C>T on transcript NM_001958.5 (MANE Select); coding-DNA position 1064, C replaced by T.
Protein change: p.Ala355Val; replaces alanine 355 with valine.
Molecular consequence: missense variant.
Genome position (GRCh38, 1-based): chr20:63,489,118, G>A on the plus strand (C>T on the coding strand, the complement: EEF1A2 is on the minus strand). VCF-style: chr20-63489118-G-A. GRCh37 (hg19) VCF-style: chr20-62120471-G-A.
Other names: short protein forms A355V.
Identifiers: ClinVar variation 957741 (VCV000957741.12), dbSNP rs146728528, ClinGen allele CA9958963.

ClinVar aggregate classification (germline): Conflicting classifications of pathogenicity. Review status: criteria provided, conflicting classifications (1 of 4 stars). 2 submissions from 2 submitters: Uncertain significance (1); Likely benign (1). Last evaluated 2025-09-10.

Conditions:
Inborn genetic diseases. Identifiers: MedGen C0950123, MeSH D030342.
Developmental and epileptic encephalopathy, 33 (DEE33). Also called: Epileptic encephalopathy, early infantile, 33. Identifiers: Orphanet 442835, MedGen C4225337, MONDO:0014625, OMIM 616409.

Allele frequency attached by ClinVar (database versions not stated): gnomAD 0.00001; gnomAD exomes 0.00001; ExAC 0.00003; ESP Exome Variant Server 0.00008.

Submissions (2):

Labcorp Genetics (formerly Invitae), Labcorp
Classification: Uncertain significance for Developmental and epileptic encephalopathy, 33. Last evaluated: 2025-09-10. Review status: criteria provided, single submitter. Criteria: Invitae Variant Classification Sherloc (09022015). Collection method: clinical testing. Allele origin: germline.
Comment: This sequence change replaces alanine, which is neutral and non-polar, with valine, which is neutral and non-polar, at codon 355 of the EEF1A2 protein (p.Ala355Val). This variant is present in population databases (rs146728528, gnomAD 0.003%). This variant has not been reported in the literature in individuals affected with EEF1A2-related conditions. ClinVar contains an entry for this variant (Variation ID: 957741). Invitae Evidence Modeling of protein sequence and biophysical properties (such as structural, functional, and spatial information, amino acid conservation, physicochemical variation, residue mobility, and thermodynamic stability) indicates that this missense variant is not expected to disrupt EEF1A2 protein function with a negative predictive value of 80%. In summary, the available evidence is currently insufficient to determine the role of this variant in disease. Therefore, it has been classified as a Variant of Uncertain Significance.

Ambry Genetics
Classification: Likely benign for Inborn genetic diseases. Last evaluated: 2019-05-31. Review status: criteria provided, single submitter. Criteria: Ambry Variant Classification Scheme 2023. Collection method: clinical testing. Allele origin: germline.